The following is an entry in ClinVar:

NM_001370466.1(NOD2):c.868dup (p.Ala290fs)

Gene: NOD2 (nucleotide binding oligomerization domain containing 2; plus strand). Cytogenetic location: 16q12.1.
Variant type: Duplication.
Coding change: c.868dup on transcript NM_001370466.1 (MANE Select); coding-DNA position 868, one base duplicated (G; older notation c.868dupG).
Protein change: p.Ala290fs; shifts the reading frame from alanine 290.
Molecular consequence: frameshift variant. On other transcripts: non-coding transcript variant (1).
Genome position (GRCh38, 1-based): chr16:50,710,860, G duplicated; the last of 3 consecutive G bases (chr16:50,710,858-50,710,860); duplicating any one gives the same sequence. VCF-style (leftmost placement, unchanged base first): chr16-50710857-T-TG. GRCh37 (hg19) VCF-style: chr16-50744768-T-TG.
Other names: c.868dup, p.Ala290fs (NM_001293557.2); c.949dup, p.Ala317fs (NM_022162.3); short protein forms A290fs, A317fs.
Identifiers: ClinVar variation 1471902 (VCV001471902.6), dbSNP rs2150808264, ClinGen allele CA2573152311.

ClinVar aggregate classification (germline): Uncertain significance (1 of 4 stars; one submission).

Conditions:
Blau syndrome (BLAUS). Also called: GRANULOMATOSIS, FAMILIAL JUVENILE SYSTEMIC; GRANULOMATOSIS, FAMILIAL, BLAU TYPE; GRANULOMATOUS INFLAMMATORY ARTHRITIS, DERMATITIS, AND UVEITIS, FAMILIAL; JABS SYNDROME; ARTHROCUTANEOUVEAL GRANULOMATOSIS. Identifiers: Orphanet 90340, MedGen C5201146, MONDO:0008523, OMIM 186580.
Regional enteritis. Also called: Enteritis, Granulomatous. Identifiers: MedGen C0678202, MeSH D003424.

Submission:

Labcorp Genetics (formerly Invitae), Labcorp
Classification: Uncertain significance for Regional enteritis; Blau syndrome. Last evaluated: 2022-08-16. Review status: criteria provided, single submitter. Criteria: Invitae Variant Classification Sherloc (09022015). Collection method: clinical testing. Allele origin: germline.
Comment: This sequence change creates a premature translational stop signal (p.Ala317Glyfs*35) in the NOD2 gene. It is expected to result in an absent or disrupted protein product. However, the current clinical and genetic evidence is not sufficient to establish whether loss-of-function variants in NOD2 cause disease. This variant is not present in population databases (gnomAD no frequency). This variant has not been reported in the literature in individuals affected with NOD2-related conditions. In summary, the available evidence is currently insufficient to determine the role of this variant in disease. Therefore, it has been classified as a Variant of Uncertain Significance. ClinVar contains an entry for this variant (Variation ID: 1471902). Algorithms developed to predict the effect of sequence changes on RNA splicing suggest that this variant may create or strengthen a splice site.